The following is an entry in ClinVar:

NM_005236.3(ERCC4):c.2585A>G (p.Asn862Ser)

Gene: ERCC4 (ERCC excision repair 4, endonuclease catalytic subunit; plus strand). Cytogenetic location: 16p13.12.
Variant type: single nucleotide variant.
Coding change: c.2585A>G on transcript NM_005236.3 (MANE Select); coding-DNA position 2585, A replaced by G.
Protein change: p.Asn862Ser; replaces asparagine 862 with serine.
Molecular consequence: missense variant.
Genome position (GRCh38, 1-based): chr16:13,948,181, A>G. VCF-style: chr16-13948181-A-G. GRCh37 (hg19) VCF-style: chr16-14042038-A-G.
Other names: short protein forms N862S.
Identifiers: ClinVar variation 2932823 (VCV002932823.3), dbSNP rs202159590, ClinGen allele CA394824511.

ClinVar aggregate classification (germline): Uncertain significance (1 of 4 stars; one submission).

Conditions:
Xeroderma pigmentosum, group F (XPF). Also called: XERODERMA PIGMENTOSUM, COMPLEMENTATION GROUP F; XERODERMA PIGMENTOSUM, TYPE F; Xeroderma pigmentosum, type 6; XERODERMA PIGMENTOSUM VI; XP, GROUP F; ERCC4-Related Xeroderma Pigmentosum. Identifiers: MedGen C0268140, MONDO:0010215, OMIM 278760.
Fanconi anemia complementation group Q. Identifiers: Orphanet 84, MedGen C3808988, MONDO:0014108, OMIM 615272.
Cockayne syndrome. Identifiers: Orphanet 191, MedGen C0009207, MONDO:0016006.

Allele frequency attached by ClinVar (database versions not stated): TOPMed below 0.00001.

Submission:

Labcorp Genetics (formerly Invitae), Labcorp
Classification: Uncertain significance for Fanconi anemia complementation group Q; Xeroderma pigmentosum, group F; Cockayne syndrome. Last evaluated: 2024-01-25. Review status: criteria provided, single submitter. Criteria: Invitae Variant Classification Sherloc (09022015). Collection method: clinical testing. Allele origin: germline.
Comment: This sequence change replaces asparagine, which is neutral and polar, with serine, which is neutral and polar, at codon 862 of the ERCC4 protein (p.Asn862Ser). This variant is not present in population databases (gnomAD no frequency). This variant has not been reported in the literature in individuals affected with ERCC4-related conditions. Advanced modeling of protein sequence and biophysical properties (such as structural, functional, and spatial information, amino acid conservation, physicochemical variation, residue mobility, and thermodynamic stability) performed at Invitae indicates that this missense variant is expected to disrupt ERCC4 protein function with a positive predictive value of 80%. In summary, the available evidence is currently insufficient to determine the role of this variant in disease. Therefore, it has been classified as a Variant of Uncertain Significance.